The following is an entry in ClinVar:

ClinVar aggregate classification (germline): Likely pathogenic (1 of 4 stars; one submission).

Conditions:
Dilated cardiomyopathy 1G (CMD1G). Identifiers: Orphanet 154, MedGen C1858763, MONDO:0011400, OMIM 604145.
Autosomal recessive limb-girdle muscular dystrophy type 2J (LGMDR10). Also called: Limb-girdle muscular dystrophy, type 2J; MUSCULAR DYSTROPHY, LIMB-GIRDLE, AUTOSOMAL RECESSIVE 10. Identifiers: Orphanet 140922, MedGen C1837342, MONDO:0012127, OMIM 608807.

Submission:

Labcorp Genetics (formerly Invitae), Labcorp
Classification: Likely pathogenic for Dilated cardiomyopathy 1G; Autosomal recessive limb-girdle muscular dystrophy type 2J. Last evaluated: 2021-08-14. Review status: criteria provided, single submitter. Criteria: Invitae Variant Classification Sherloc (09022015). Collection method: clinical testing. Allele origin: germline.
Comment: This variant is not present in population databases (ExAC no frequency). In summary, the currently available evidence indicates that the variant is pathogenic, but additional data are needed to prove that conclusively. Therefore, this variant has been classified as Likely Pathogenic. This variant is located in the A band of TTN (PMID: 25589632). Truncating variants in this region are significantly overrepresented in patients affected with dilated cardiomyopathy (PMID: 25589632). Truncating variants in this region have also been reported in individuals affected with autosomal recessive centronuclear myopathy (PMID: 23975875). This variant has not been reported in the literature in individuals affected with TTN-related conditions. This sequence change creates a premature translational stop signal (p.Ser22423Ilefs*9) in the TTN gene. While this is not anticipated to result in nonsense mediated decay, it is expected to create a truncated TTN protein.

Literature cited by the submitters: PubMed 25589632; PubMed 23975875.

NM_001267550.2(TTN):c.67266dup (p.Ser22423fs)

Genes: TTN (titin; minus strand), TTN-AS1 (TTN antisense RNA 1; plus strand). Cytogenetic location: 2q31.2.
Variant type: Duplication.
Coding change: c.67266dup on transcript NM_001267550.2 (MANE Select); coding-DNA position 67266, one base duplicated (A; older notation c.67266dupA).
Protein change: p.Ser22423fs; shifts the reading frame from serine 22423.
Molecular consequence: frameshift variant.
Genome position (GRCh38, 1-based): chr2:178,580,021, T duplicated on the plus strand (A on the coding strand, the reverse complement: TTN is on the minus strand); the first of 4 consecutive T bases (chr2:178,580,021-178,580,024); duplicating any one gives the same sequence. VCF-style (leftmost placement, unchanged base first): chr2-178580020-A-AT. GRCh37 (hg19) VCF-style: chr2-179444747-A-AT.
Other names: c.62343dup, p.Ser20782fs (NM_001256850.1); c.40071dup, p.Ser13358fs (NM_003319.4); c.59562dup, p.Ser19855fs (NM_133378.4); c.40446dup, p.Ser13483fs (NM_133432.3); c.40647dup, p.Ser13550fs (NM_133437.4); short protein forms S13358fs, S13483fs, S13550fs, S20782fs, S22423fs, S19855fs.
Identifiers: ClinVar variation 1513601 (VCV001513601.6), dbSNP rs2154175989, ClinGen allele CA2573134184.